The following is an entry in ClinVar:

ClinVar aggregate classification (germline): Pathogenic. Review status: criteria provided, multiple submitters, no conflicts (2 of 4 stars). 2 submissions from 2 submitters: Pathogenic (2). Last evaluated 2024-12-26.

Conditions:
Neurodevelopmental disorder with alopecia and brain abnormalities. Also called: Bachmann-Bupp syndrome; Global developmental delay-alopecia-macrocephaly-facial dysmorphism-structural brain anomalies syndrome. Identifiers: Orphanet 544488, MedGen C5436741, MONDO:0033642, OMIM 619075.

Submissions (2):

Department of Genetics, Rouen University Hospital, Normandy Center for Genomic and Personalized Medicine
Classification: Pathogenic for Neurodevelopmental disorder with alopecia and brain abnormalities. Last evaluated: 2024-12-26. Review status: criteria provided, single submitter. Criteria: ACMG Guidelines, 2015. Collection method: clinical testing. Allele origin: de novo. Affected: yes.

Labcorp Genetics (formerly Invitae), Labcorp
Classification: Pathogenic. Last evaluated: 2020-10-19. Review status: criteria provided, single submitter. Criteria: Invitae Variant Classification Sherloc (09022015). Collection method: clinical testing. Allele origin: germline.
Comment: For these reasons, this variant has been classified as Pathogenic. Nucleotide substitutions within the consensus splice site are a relatively common cause of aberrant splicing (PMID: 17576681, 9536098). Algorithms developed to predict the effect of sequence changes on RNA splicing suggest that this variant may disrupt the consensus splice site, but this prediction has not been confirmed by published transcriptional studies. This variant has been observed in individual(s) with clinical features of ODC1-related conditions (Invitae). In at least one individual the variant was observed to be de novo. This variant is not present in population databases (ExAC no frequency). This sequence change falls in intron 11 of the ODC1 gene. It does not directly change the encoded amino acid sequence of the ODC1 protein. It affects a nucleotide within the consensus splice site of the intron.

Literature cited by the submitters: PubMed 17576681 (cited by Labcorp Genetics (formerly Invitae), Labcorp); PubMed 9536098 (cited by Labcorp Genetics (formerly Invitae), Labcorp).

NM_002539.3(ODC1):c.1242-2A>G

Gene: ODC1 (ornithine decarboxylase 1; minus strand). Cytogenetic location: 2p25.1.
Variant type: single nucleotide variant.
Coding change: c.1242-2A>G on transcript NM_002539.3 (MANE Select); the canonical splice acceptor site of the intron before coding-DNA position 1242, A replaced by G.
Molecular consequence: splice acceptor variant.
Genome position (GRCh38, 1-based): chr2:10,440,870, T>C on the plus strand (A>G on the coding strand, the complement: ODC1 is on the minus strand). VCF-style: chr2-10440870-T-C. GRCh37 (hg19) VCF-style: chr2-10580996-T-C.
Other names: c.855-2A>G (NM_001287188.2); c.1242-2A>G (NM_001287190.2, NM_001287189.2, NM_002539.2).
Identifiers: ClinVar variation 1074405 (VCV001074405.6), dbSNP rs2148066296, ClinGen allele CA345813107.